The following is an entry in ClinVar:

NM_003070.5(SMARCA2):c.77T>C (p.Ile26Thr)

Gene: SMARCA2 (SWI/SNF related BAF chromatin remodeling complex subunit ATPase 2; plus strand). Cytogenetic location: 9p24.3.
Variant type: single nucleotide variant.
Coding change: c.77T>C on transcript NM_003070.5 (MANE Select); coding-DNA position 77, T replaced by C.
Protein change: p.Ile26Thr; replaces isoleucine 26 with threonine.
Molecular consequence: missense variant.
Genome position (GRCh38, 1-based): chr9:2,029,099, T>C. VCF-style: chr9-2029099-T-C. GRCh37 (hg19) VCF-style: chr9-2029099-T-C.
Other names: c.77T>C, p.Ile26Thr (NM_001289396.2, NM_001289397.2, NM_139045.4); short protein forms I26T.
Identifiers: ClinVar variation 2783133 (VCV002783133.3), dbSNP rs1184325506, ClinGen allele CA372779109.

ClinVar aggregate classification (germline): Uncertain significance (1 of 4 stars; one submission).

Allele frequency attached by ClinVar (database versions not stated): TOPMed 0.00001.

Submission:

Labcorp Genetics (formerly Invitae), Labcorp
Classification: Uncertain significance. Last evaluated: 2023-12-16. Review status: criteria provided, single submitter. Criteria: Invitae Variant Classification Sherloc (09022015). Collection method: clinical testing. Allele origin: germline.
Comment: This sequence change replaces isoleucine, which is neutral and non-polar, with threonine, which is neutral and polar, at codon 26 of the SMARCA2 protein (p.Ile26Thr). This variant is present in population databases (no rsID available, gnomAD 0.007%). This variant has not been reported in the literature in individuals affected with SMARCA2-related conditions. Advanced modeling of protein sequence and biophysical properties (such as structural, functional, and spatial information, amino acid conservation, physicochemical variation, residue mobility, and thermodynamic stability) performed at Invitae indicates that this missense variant is not expected to disrupt SMARCA2 protein function with a negative predictive value of 80%. In summary, the available evidence is currently insufficient to determine the role of this variant in disease. Therefore, it has been classified as a Variant of Uncertain Significance.